The following is an entry in ClinVar:

ClinVar aggregate classification (germline): Pathogenic (1 of 4 stars; one submission).

Conditions:
Neuropathy, hereditary sensory and autonomic, type 2A (HSAN2A). Also called: ACROOSTEOLYSIS, GIACCAI TYPE; ACROOSTEOLYSIS, NEUROGENIC; MORVAN DISEASE; NEUROPATHY, CONGENITAL SENSORY; NEUROPATHY, HEREDITARY SENSORY RADICULAR, AUTOSOMAL RECESSIVE; NEUROPATHY, HEREDITARY SENSORY, TYPE IIA. Identifiers: Orphanet 970, MedGen C2752089, MONDO:0024309, OMIM 201300.
Generalized epilepsy with febrile seizures plus, type 7 (GEFSP7). Also called: GEFS+, TYPE 7. Identifiers: Orphanet 36387, MedGen C2751778, MONDO:0013470, OMIM 613863.

gnomAD v4.1: 1 of 1,611,260 alleles (0.000062%); highest among the groups gnomAD compares: African/African-American, 0.0013%; no homozygotes.

Submission:

Labcorp Genetics (formerly Invitae), Labcorp
Classification: Pathogenic for Neuropathy, hereditary sensory and autonomic, type 2A; Generalized epilepsy with febrile seizures plus, type 7. Last evaluated: 2025-08-03. Review status: criteria provided, single submitter. Criteria: Invitae Variant Classification Sherloc (09022015). Collection method: clinical testing. Allele origin: germline.
Comment: This sequence change creates a premature translational stop signal (p.Trp1247*) in the SCN9A gene. It is expected to result in an absent or disrupted protein product. Loss-of-function variants in SCN9A are known to be pathogenic (PMID: 17470132, 19304393). This variant is not present in population databases (gnomAD no frequency). This variant has not been reported in the literature in individuals affected with SCN9A-related conditions. Algorithms developed to predict the effect of sequence changes on RNA splicing suggest that this variant may disrupt the consensus splice site. For these reasons, this variant has been classified as Pathogenic.

Literature cited by the submitters: PubMed 17470132; PubMed 19304393.

NM_001365536.1(SCN9A):c.3773G>A (p.Trp1258Ter)

Genes: SCN9A (sodium voltage-gated channel alpha subunit 9; minus strand), SCN1A-AS1 (SCN1A and SCN9A antisense RNA 1; plus strand). Cytogenetic location: 2q24.3.
Variant type: single nucleotide variant.
Coding change: c.3773G>A on transcript NM_001365536.1 (MANE Select); coding-DNA position 3773, G replaced by A.
Protein change: p.Trp1258Ter; replaces tryptophan 1258 with a stop codon.
Molecular consequence: nonsense.
Genome position (GRCh38, 1-based): chr2:166,238,122, C>T on the plus strand (G>A on the coding strand, the complement: SCN9A is on the minus strand). VCF-style: chr2-166238122-C-T. GRCh37 (hg19) VCF-style: chr2-167094632-C-T.
Other names: c.3740G>A, p.Trp1247Ter (NM_002977.4); short protein forms W1247*, W1258*.
Identifiers: ClinVar variation 4790908 (VCV004790908.1).